The following is an entry in ClinVar:

NM_014806.5(RUSC2):c.3608A>G (p.His1203Arg)

Gene: RUSC2 (RUN and SH3 domain containing 2; plus strand). Cytogenetic location: 9p13.3.
Variant type: single nucleotide variant.
Coding change: c.3608A>G on transcript NM_014806.5 (MANE Select); coding-DNA position 3608, A replaced by G.
Protein change: p.His1203Arg; replaces histidine 1203 with arginine.
Molecular consequence: missense variant. On other transcripts: non-coding transcript variant (1).
Genome position (GRCh38, 1-based): chr9:35,560,248, A>G. VCF-style: chr9-35560248-A-G. GRCh37 (hg19) VCF-style: chr9-35560245-A-G.
Other names: c.3608A>G, p.His1203Arg (NM_001135999.2); c.974A>G, p.His325Arg (NM_001330740.2); short protein forms H1203R, H325R.
Identifiers: ClinVar variation 2091818 (VCV002091818.4), dbSNP rs537387313, ClinGen allele CA5044196.

ClinVar aggregate classification (germline): Uncertain significance (1 of 4 stars; one submission).

Allele frequency attached by ClinVar (database versions not stated): gnomAD exomes below 0.00001; ExAC 0.00001.
gnomAD v4.1: 4 of 1,596,392 alleles (0.00025%); highest among the groups gnomAD compares: Non-Finnish European, 0.00034%; no homozygotes.

Submission:

Labcorp Genetics (formerly Invitae), Labcorp
Classification: Uncertain significance. Last evaluated: 2022-02-02. Review status: criteria provided, single submitter. Criteria: Invitae Variant Classification Sherloc (09022015). Collection method: clinical testing. Allele origin: germline.
Comment: This variant is present in population databases (rs537387313, gnomAD 0.001%). This variant has not been reported in the literature in individuals affected with RUSC2-related conditions. Algorithms developed to predict the effect of missense changes on protein structure and function are either unavailable or do not agree on the potential impact of this missense change (SIFT: "Tolerated"; PolyPhen-2: "Probably Damaging"; Align-GVGD: "Class C0"). In summary, the available evidence is currently insufficient to determine the role of this variant in disease. Therefore, it has been classified as a Variant of Uncertain Significance. This sequence change replaces histidine, which is basic and polar, with arginine, which is basic and polar, at codon 1203 of the RUSC2 protein (p.His1203Arg).